The following is an entry in ClinVar:

NM_016292.3(TRAP1):c.2113T>C (p.Ter705Arg)

Genes: DNASE1 (deoxyribonuclease 1; plus strand), TRAP1 (TNF receptor associated protein 1; minus strand). Cytogenetic location: 16p13.3.
Variant type: single nucleotide variant.
Coding change: c.2113T>C on transcript NM_016292.3 (MANE Select); coding-DNA position 2113, T replaced by C.
Protein change: p.Ter705Arg.
Molecular consequence: stop lost. On other transcripts: intron variant (1).
Genome position (GRCh38, 1-based): chr16:3,658,131, A>G on the plus strand (T>C on the coding strand, the complement: TRAP1 is on the minus strand). VCF-style: chr16-3658131-A-G. GRCh37 (hg19) VCF-style: chr16-3708132-A-G.
Other names: c.1954T>C, p.Ter652Arg (NM_001272049.2); c.*21+264A>G (NM_001387140.1).
Identifiers: ClinVar variation 2976973 (VCV002976973.3), dbSNP rs1049863556, ClinGen allele CA276971125.

ClinVar aggregate classification (germline): Uncertain significance (1 of 4 stars; one submission).

Allele frequency attached by ClinVar (database versions not stated): TOPMed 0.00009; gnomAD 0.00004.
gnomAD v4.1: 9 of 1,613,836 alleles (0.00056%); highest among the groups gnomAD compares: African/African-American, 0.008%; no homozygotes.

Submission:

Labcorp Genetics (formerly Invitae), Labcorp
Classification: Uncertain significance. Last evaluated: 2024-06-03. Review status: criteria provided, single submitter. Criteria: Invitae Variant Classification Sherloc (09022015). Collection method: clinical testing. Allele origin: germline.
Comment: This sequence change disrupts the translational stop signal of the TRAP1 mRNA. It is expected to extend the length of the TRAP1 protein by 8 additional amino acid residues. This variant is present in population databases (no rsID available, gnomAD 0.01%). This variant has not been reported in the literature in individuals affected with TRAP1-related conditions. Experimental studies and prediction algorithms are not available or were not evaluated, and the functional significance of this variant is currently unknown. In summary, the available evidence is currently insufficient to determine the role of this variant in disease. Therefore, it has been classified as a Variant of Uncertain Significance.